The following is an entry in ClinVar:

ClinVar aggregate classification (germline): Likely benign (0 of 4 stars; one submission).

Conditions:
ATXN2-related disorder. Also called: ATXN2-related condition.

Allele frequency attached by ClinVar (database versions not stated): gnomAD exomes 0.00006; TOPMed 0.00007; gnomAD 0.00009; ExAC 0.00010; ESP Exome Variant Server 0.00015.
gnomAD v4.1: 114 of 1,612,720 alleles (0.0071%); highest among the groups gnomAD compares: Middle Eastern, 0.033%; no homozygotes.

Submission:

PreventionGenetics, part of Exact Sciences
Classification: Likely benign for ATXN2-related condition. Last evaluated: 2019-07-12. Review status: no assertion criteria provided. Collection method: clinical testing. Allele origin: germline.
Comment: This variant is classified as likely benign based on ACMG/AMP sequence variant interpretation guidelines (Richards et al. 2015 PMID: 25741868, with internal and published modifications).

NM_001372574.1(ATXN2):c.789-8T>C

Gene: ATXN2 (ataxin 2; minus strand). Cytogenetic location: 12q24.12.
Variant type: single nucleotide variant.
Coding change: c.789-8T>C on transcript NM_001372574.1 (MANE Select); 8 bases into the intron before coding-DNA position 789, T replaced by C.
Molecular consequence: intron variant.
Genome position (GRCh38, 1-based): chr12:111,520,084, A>G on the plus strand (T>C on the coding strand, the complement: ATXN2 is on the minus strand). VCF-style: chr12-111520084-A-G. GRCh37 (hg19) VCF-style: chr12-111957888-A-G.
Other names: c.402-8T>C (NM_001310123.1); c.474-8T>C (NM_001310121.1); c.789-8T>C (NM_002973.4).
Identifiers: ClinVar variation 3050481 (VCV003050481.2), dbSNP rs376492019, ClinGen allele CA6790779.
Genomic context (GRCh38, chr12:111,520,084, plus strand): 5'-CCCTTGCTTCCCGTTTTAAAAATTCTTCTGAGTTATCTCTTTCTAAGGGCACTCTGAAAC[A>G]TGAGGAAAAGAAAAGCAAAATGAGTCCTTTAAAGCCACAGTTTATGTATCTGTCATAATC-3'